The following is an entry in ClinVar:

ClinVar aggregate classification (germline): Uncertain significance. Review status: criteria provided, single submitter (1 of 4 stars). 2 submissions from 2 submitters: Uncertain significance (1). 1 of the submissions does not count toward it. Last evaluated 2022-08-16.

Conditions:
Nemaline myopathy 2 (NEM2). Also called: Nemaline myopathy 2, autosomal recessive. Identifiers: MedGen C1850569, MONDO:0009725, OMIM 256030.

Allele frequency attached by ClinVar (database versions not stated): ExAC 0.00001; gnomAD exomes 0.00001.
gnomAD v4.1: 5 of 1,605,514 alleles (0.00031%); highest among the groups gnomAD compares: South Asian, 0.0056%; no homozygotes.

Submissions (2):

Labcorp Genetics (formerly Invitae), Labcorp
Classification: Uncertain significance for Nemaline myopathy 2. Last evaluated: 2022-08-16. Review status: criteria provided, single submitter. Criteria: Invitae Variant Classification Sherloc (09022015). Collection method: clinical testing. Allele origin: germline.
Comment: This variant is present in population databases (rs767710795, gnomAD 0.007%). This variant has not been reported in the literature in individuals affected with NEB-related conditions. ClinVar contains an entry for this variant (Variation ID: 969616). Algorithms developed to predict the effect of missense changes on protein structure and function are either unavailable or do not agree on the potential impact of this missense change (SIFT: "Deleterious"; PolyPhen-2: "Not Available"; Align-GVGD: "Class C0"). In summary, the available evidence is currently insufficient to determine the role of this variant in disease. Therefore, it has been classified as a Variant of Uncertain Significance. This sequence change replaces phenylalanine, which is neutral and non-polar, with serine, which is neutral and polar, at codon 573 of the NEB protein (p.Phe573Ser).

Natera, Inc.
Classification: Uncertain significance for Nemaline myopathy type 2. Last evaluated: 2021-08-02. Review status: no assertion criteria provided. Collection method: clinical testing. Allele origin: germline. Not counted in ClinVar's aggregate classification.

NM_001164508.2(NEB):c.1718T>C (p.Phe573Ser)

Gene: NEB (nebulin; minus strand). Cytogenetic location: 2q23.3.
Variant type: single nucleotide variant.
Coding change: c.1718T>C on transcript NM_001164508.2 (MANE Select); coding-DNA position 1718, T replaced by C.
Protein change: p.Phe573Ser; replaces phenylalanine 573 with serine.
Molecular consequence: missense variant.
Genome position (GRCh38, 1-based): chr2:151,694,586, A>G on the plus strand (T>C on the coding strand, the complement: NEB is on the minus strand). VCF-style: chr2-151694586-A-G. GRCh37 (hg19) VCF-style: chr2-152551100-A-G.
Other names: c.1718T>C, p.Phe573Ser (NM_001164507.2, NM_001271208.2, NM_004543.5); short protein forms F573S.
Identifiers: ClinVar variation 969616 (VCV000969616.13), dbSNP rs767710795, ClinGen allele CA1911465.
Genomic context (GRCh38, chr2:151,694,586, plus strand): 5'-CTGGTGTTCTTGGTGTTGGCTTTGGCTGCCAGCAGGGGAATGGCATCCACTTTAATGTCA[A>G]ACTTTTTGGCTTTGCTCTTCTCCCAGTCTTGCTTATAAAGATTCTGGACAAAAAAATTCA-3'
Protein context (NP_001157980.2, residues 563-583): QDWEKSKAKK[Phe573Ser]DIKVDAIPLL